The following is an entry in ClinVar:

NM_005475.3(SH2B3):c.1147C>T (p.Pro383Ser)

Gene: SH2B3 (SH2B adaptor protein 3; plus strand). Cytogenetic location: 12q24.12.
Variant type: single nucleotide variant.
Coding change: c.1147C>T on transcript NM_005475.3 (MANE Select); coding-DNA position 1147, C replaced by T.
Protein change: p.Pro383Ser; replaces proline 383 with serine.
Molecular consequence: missense variant.
Genome position (GRCh38, 1-based): chr12:111,447,455, C>T. VCF-style: chr12-111447455-C-T. GRCh37 (hg19) VCF-style: chr12-111885259-C-T.
Other names: c.541C>T, p.Pro181Ser (NM_001291424.1); short protein forms P181S, P383S.
Identifiers: ClinVar variation 4163909 (VCV004163909.1).

ClinVar aggregate classification (germline): Uncertain significance (1 of 4 stars; one submission).

Conditions:
Inborn genetic diseases. Identifiers: MedGen C0950123, MeSH D030342.

Submission:

Ambry Genetics
Classification: Uncertain significance for Inborn genetic diseases. Last evaluated: 2025-06-25. Review status: criteria provided, single submitter. Criteria: Ambry Variant Classification Scheme 2023. Collection method: clinical testing. Allele origin: germline.
Comment: The p.P383S variant (also known as c.1147C>T), located in coding exon 5 of the SH2B3 gene, results from a C to T substitution at nucleotide position 1147. The proline at codon 383 is replaced by serine, an amino acid with similar properties. This amino acid position is conserved. In addition, this alteration is predicted to be tolerated by in silico analysis. Based on the available evidence, the clinical significance of this variant remains unclear.